The following is an entry in ClinVar:

NM_004553.6(NDUFS6):c.324_325del (p.Lys108fs)

Gene: NDUFS6 (NADH:ubiquinone oxidoreductase subunit S6; plus strand). Cytogenetic location: 5p15.33.
Variant type: Deletion.
Coding change: c.324_325del on transcript NM_004553.6 (MANE Select); coding-DNA positions 324 to 325, 2 bases deleted (AA; older notation c.324_325delAA).
Protein change: p.Lys108fs; shifts the reading frame from lysine 108.
Molecular consequence: frameshift variant.
Genome position (GRCh38, 1-based): chr5:1,815,865-1,815,866, AA deleted; deleting any 2 consecutive bases within chr5:1,815,862-1,815,866 gives the same sequence; the c. name uses the placement nearest the transcript's 3' end. VCF-style (leftmost placement, unchanged base first): chr5-1815861-CAA-C. GRCh37 (hg19) VCF-style: chr5-1815975-CAA-C.
Other names: short protein forms K108fs.
Identifiers: ClinVar variation 1455958 (VCV001455958.6), dbSNP rs1208154701, ClinGen allele CA557593125.
Genomic context (GRCh38, chr5:1,815,861, plus strand): 5'-TTTGAAGTAGAATATGGAAATATGACATCATTCCTTTTGAATTTTTTCAGGACAAAGAAA[CAA>C]AAACCGGCACATGCGGTTACTGTGGGCTCCAGTTCAGACAGCACCACCACTAGAGCGTGT-3'

ClinVar aggregate classification (germline): Pathogenic (1 of 4 stars; one submission).

Submission:

Labcorp Genetics (formerly Invitae), Labcorp
Classification: Pathogenic. Last evaluated: 2021-08-13. Review status: criteria provided, single submitter. Criteria: Invitae Variant Classification Sherloc (09022015). Collection method: clinical testing. Allele origin: germline.
Comment: This variant disrupts a region of the NDUFS6 protein in which other variant(s) (p.Cys115Arg) have been determined to be pathogenic (PMID: 28429146, 30948790). This suggests that this is a clinically significant region of the protein, and that variants that disrupt it are likely to be disease-causing. For these reasons, this variant has been classified as Pathogenic. This variant has not been reported in the literature in individuals affected with NDUFS6-related conditions. This variant is not present in population databases (ExAC no frequency). This sequence change results in a frameshift in the NDUFS6 gene (p.Lys108Asnfs*30). While this is not anticipated to result in nonsense mediated decay, it is expected to disrupt the last 17 amino acid(s) of the NDUFS6 protein and extend the protein by 12 additional amino acid residues.

Literature cited by the submitters: PubMed 28429146; PubMed 30948790.